The following is an entry in ClinVar:

ClinVar aggregate classification (germline): Benign/Likely benign. Review status: criteria provided, multiple submitters, no conflicts (2 of 4 stars). 2 submissions from 2 submitters: Benign (1); Likely benign (1). Last evaluated 2026-04-28.

Conditions:
Colorectal cancer, hereditary nonpolyposis, type 7. Identifiers: Orphanet 144, MedGen C1858380, MONDO:0013725, OMIM 614385.

Submissions (2):

Myriad Genetics, Inc.
Classification: Benign for Colorectal cancer, hereditary nonpolyposis, type 7. Last evaluated: 2026-04-28. Review status: criteria provided, single submitter. Criteria: Myriad Autosomal Dominant, Autosomal Recessive and X-Linked Classification Criteria (2023). Collection method: clinical testing. Allele origin: unknown.
Comment: This variant is considered benign. This variant is a silent/synonymous amino acid change and it is not expected to impact splicing.

Ambry Genetics
Classification: Likely benign. Last evaluated: 2026-03-28. Review status: criteria provided, single submitter. Criteria: Ambry Variant Classification Scheme 2023. Collection method: clinical testing. Allele origin: germline.

NM_001040108.2(MLH3):c.330G>C (p.Ser110=)

Gene: MLH3 (mutL homolog 3; minus strand). Cytogenetic location: 14q24.3.
Variant type: single nucleotide variant.
Coding change: c.330G>C on transcript NM_001040108.2 (MANE Select); coding-DNA position 330, G replaced by C.
Protein change: p.Ser110=; no amino-acid change (serine 110 retained).
Molecular consequence: synonymous variant.
Genome position (GRCh38, 1-based): chr14:75,049,326, C>G on the plus strand (G>C on the coding strand, the complement: MLH3 is on the minus strand). VCF-style: chr14-75049326-C-G. GRCh37 (hg19) VCF-style: chr14-75516029-C-G.
Other names: c.330G>C, p.Ser110= (NM_014381.3).
Identifiers: ClinVar variation 4860173 (VCV004860173.2).